The following is an entry in ClinVar:

NM_006267.5(RANBP2):c.1864A>G (p.Ile622Val)

Gene: RANBP2 (RAN binding protein 2; plus strand). Cytogenetic location: 2q13.
Variant type: single nucleotide variant.
Coding change: c.1864A>G on transcript NM_006267.5 (MANE Select); coding-DNA position 1864, A replaced by G.
Protein change: p.Ile622Val; replaces isoleucine 622 with valine.
Molecular consequence: missense variant.
Genome position (GRCh38, 1-based): chr2:108,753,106, A>G. VCF-style: chr2-108753106-A-G. GRCh37 (hg19) VCF-style: chr2-109369562-A-G.
Other names: c.1864A>G, p.Ile622Val (NM_001415871.1, NM_001415873.1); c.1861A>G, p.Ile621Val (NM_001415872.1); short protein forms I621V, I622V.
Identifiers: ClinVar variation 3606148 (VCV003606148.2).

ClinVar aggregate classification (germline): Uncertain significance (1 of 4 stars; one submission).

Conditions:
Familial acute necrotizing encephalopathy (IIAE3). Also called: ENCEPHALOPATHY, ACUTE, INFECTION-INDUCED, SUSCEPTIBILITY TO, 3; Susceptibility to Acute Necrotizing Encephalopathy 1. Identifiers: Orphanet 88619, MedGen C2675556, MONDO:0011953, OMIM 608033.

gnomAD v4.1: 1 of 1,610,492 alleles (0.000062%); highest among the groups gnomAD compares: East Asian, 0.0022%; no homozygotes.

Submission:

Labcorp Genetics (formerly Invitae), Labcorp
Classification: Uncertain significance for Familial acute necrotizing encephalopathy. Last evaluated: 2024-07-11. Review status: criteria provided, single submitter. Criteria: Invitae Variant Classification Sherloc (09022015). Collection method: clinical testing. Allele origin: germline.
Comment: This sequence change replaces isoleucine, which is neutral and non-polar, with valine, which is neutral and non-polar, at codon 622 of the RANBP2 protein (p.Ile622Val). This variant is present in population databases (no rsID available, gnomAD 0.006%). This variant has not been reported in the literature in individuals affected with RANBP2-related conditions. An algorithm developed to predict the effect of missense changes on protein structure and function (PolyPhen-2) suggests that this variant is likely to be tolerated. In summary, the available evidence is currently insufficient to determine the role of this variant in disease. Therefore, it has been classified as a Variant of Uncertain Significance.